The following is an entry in ClinVar:

ClinVar aggregate classification (germline): Likely pathogenic (1 of 4 stars; one submission).

Conditions:
Lethal multiple pterygium syndrome (LMPS). Identifiers: Orphanet 33108, MedGen C1854678, MONDO:0009668, OMIM 253290.

Submission:

Labcorp Genetics (formerly Invitae), Labcorp
Classification: Likely pathogenic for Lethal multiple pterygium syndrome. Last evaluated: 2022-08-17. Review status: criteria provided, single submitter. Criteria: Invitae Variant Classification Sherloc (09022015). Collection method: clinical testing. Allele origin: germline.
Comment: In summary, the currently available evidence indicates that the variant is pathogenic, but additional data are needed to prove that conclusively. Therefore, this variant has been classified as Likely Pathogenic. This variant has not been reported in the literature in individuals affected with CHRND-related conditions. This variant results in the deletion of exon 9 and part of exon 8 (c.900_1048-283delinsA) of the CHRND gene. It is expected to disrupt RNA splicing. Variants that disrupt the donor or acceptor splice site typically lead to a loss of protein function (PMID: 16199547), and loss-of-function variants in CHRND are known to be pathogenic (PMID: 11435464, 25264167).

Literature cited by the submitters: PubMed 16199547; PubMed 11435464; PubMed 25264167.

NC_000002.11:g.(?_233396141)_(233398358_?)del

Gene: CHRND (cholinergic receptor nicotinic delta subunit; plus strand). Cytogenetic location: 2q37.1.
Variant type: Deletion.
Identifiers: ClinVar variation 1512971 (VCV001512971.5).